The following is an entry in ClinVar:

ClinVar aggregate classification (germline): Likely benign. Review status: criteria provided, single submitter (1 of 4 stars). 2 submissions from 2 submitters: Likely benign (1). 1 of the submissions does not count toward it. Last evaluated 2022-08-01.

Conditions:
CSMD1-related disorder. Also called: CSMD1-related condition.

Allele frequency attached by ClinVar (database versions not stated): gnomAD 0.00003; ExAC 0.00008; gnomAD exomes 0.00013; ESP Exome Variant Server 0.00025.
gnomAD v4.1: 194 of 1,604,226 alleles (0.012%); highest among the groups gnomAD compares: Non-Finnish European, 0.015%; no homozygotes.

Submissions (2):

CeGaT Center for Human Genetics Tuebingen
Classification: Likely benign. Last evaluated: 2022-08-01. Review status: criteria provided, single submitter. Criteria: CeGaT Center For Human Genetics Tuebingen Variant Classification Criteria Version 2. Collection method: clinical testing. Allele origin: germline. Affected: yes. Observed: 1 variant allele.
Comment: CSMD1: BP4, BP7

PreventionGenetics, part of Exact Sciences
Classification: Likely benign for CSMD1-related condition. Last evaluated: 2019-06-26. Review status: no assertion criteria provided. Collection method: clinical testing. Allele origin: germline. Not counted in ClinVar's aggregate classification.
Comment: This variant is classified as likely benign based on ACMG/AMP sequence variant interpretation guidelines (Richards et al. 2015 PMID: 25741868, with internal and published modifications).

NM_033225.6(CSMD1):c.10059C>T (p.Phe3353=)

Genes: CSMD1 (CUB and Sushi multiple domains 1; minus strand), LOC105377785 (uncharacterized LOC105377785; plus strand). Cytogenetic location: 8p23.2.
Variant type: single nucleotide variant.
Coding change: c.10059C>T on transcript NM_033225.6 (MANE Select); coding-DNA position 10059, C replaced by T.
Protein change: p.Phe3353=; no amino-acid change (phenylalanine 3353 retained).
Molecular consequence: synonymous variant.
Genome position (GRCh38, 1-based): chr8:2,951,256, G>A on the plus strand (C>T on the coding strand, the complement: CSMD1 is on the minus strand). VCF-style: chr8-2951256-G-A. GRCh37 (hg19) VCF-style: chr8-2808778-G-A.
Other names: c.10059C>T (NM_033225.5).
Identifiers: ClinVar variation 2658316 (VCV002658316.25), dbSNP rs376160512, ClinGen allele CA4604899.
Genomic context (GRCh38, chr8:2,951,256, plus strand): 5'-TAGAGTGGCGGGTTGTCTTTTCCCTAAATATTCATAATACCCCTTCCACAGTGAATTGAC[G>A]AAAAAGACATCTGAAGGAACTGTGGGAAGGGGGGAAACAGACCAATGTCAGCACACACAC-3'
Protein context (NP_150094.5, residues 3343-3363): TKTPVPSDVF[Phe3353=]VNSLWKGYYE